The following is an entry in ClinVar:

ClinVar aggregate classification (germline): Likely pathogenic (1 of 4 stars; one submission).

Conditions:
Wilson disease (WND). Also called: Wilson's disease. Identifiers: Orphanet 905, MedGen C0019202, MONDO:0010200, OMIM 277900. Disease mechanism: loss of function.

Submission:

Labcorp Genetics (formerly Invitae), Labcorp
Classification: Likely pathogenic for Wilson disease. Last evaluated: 2022-02-04. Review status: criteria provided, single submitter. Criteria: Invitae Variant Classification Sherloc (09022015). Collection method: clinical testing. Allele origin: germline.
Comment: In summary, the currently available evidence indicates that the variant is pathogenic, but additional data are needed to prove that conclusively. Therefore, this variant has been classified as Likely Pathogenic. This variant disrupts the p.Cys703 amino acid residue in ATP7B. Other variant(s) that disrupt this residue have been determined to be pathogenic (PMID: 16088907, 18483695, 21682854). This suggests that this residue is clinically significant, and that variants that disrupt this residue are likely to be disease-causing. Advanced modeling of protein sequence and biophysical properties (such as structural, functional, and spatial information, amino acid conservation, physicochemical variation, residue mobility, and thermodynamic stability) performed at Invitae indicates that this missense variant is expected to disrupt ATP7B protein function. This variant has not been reported in the literature in individuals affected with ATP7B-related conditions. This variant is not present in population databases (gnomAD no frequency). This sequence change replaces cysteine, which is neutral and slightly polar, with phenylalanine, which is neutral and non-polar, at codon 703 of the ATP7B protein (p.Cys703Phe).

Literature cited by the submitters: PubMed 16088907; PubMed 18483695; PubMed 21682854.

NM_000053.4(ATP7B):c.2108G>T (p.Cys703Phe)

Gene: ATP7B (ATPase copper transporting beta; minus strand). Cytogenetic location: 13q14.3.
Variant type: single nucleotide variant.
Coding change: c.2108G>T on transcript NM_000053.4 (MANE Select); coding-DNA position 2108, G replaced by T.
Protein change: p.Cys703Phe; replaces cysteine 703 with phenylalanine.
Molecular consequence: missense variant. On other transcripts: intron variant (2).
Genome position (GRCh38, 1-based): chr13:51,960,161, C>A on the plus strand (G>T on the coding strand, the complement: ATP7B is on the minus strand). VCF-style: chr13-51960161-C-A. GRCh37 (hg19) VCF-style: chr13-52534297-C-A.
Other names: c.1775G>T, p.Cys592Phe (NM_001243182.2); c.2108G>T, p.Cys703Phe (NM_001330578.2, NM_001406511.1, NM_001406512.1 and 16 more transcripts); c.2075G>T, p.Cys692Phe (NM_001406514.1, NM_001406524.1); c.2012G>T, p.Cys671Phe (NM_001406517.1, NM_001406518.1, NM_001406530.1 and 1 more transcripts); c.1679G>T, p.Cys560Phe (NM_001406539.1); c.1870-2554G>T (NM_001005918.3); c.1870-1617G>T (NM_001330579.2); short protein forms C592F, C671F, C692F, C703F, C560F.
Identifiers: ClinVar variation 2093193 (VCV002093193.4), dbSNP rs767218895, ClinGen allele CA388024132.